The following is an entry in ClinVar:

ClinVar aggregate classification (germline): Likely benign. Review status: criteria provided, single submitter (1 of 4 stars). 2 submissions from 2 submitters: Likely benign (1). 1 of the submissions does not count toward it. Last evaluated 2024-07-23.

Conditions:
ZFHX3-related disorder. Also called: ZFHX3-related condition.

Allele frequency attached by ClinVar (database versions not stated): ESP Exome Variant Server 0.00346; gnomAD exomes 0.00024; ExAC 0.00082; 1000 Genomes Project 30x 0.00109; 1000 Genomes Project 0.00120; gnomAD 0.00186; TOPMed 0.00219.
gnomAD v4.1: 658 of 1,614,216 alleles (0.041%); highest among the groups gnomAD compares: African/African-American, 0.64%; 1 homozygote.

Submissions (2):

Blueprint Genetics
Classification: Likely benign. Last evaluated: 2024-07-23. Review status: criteria provided, single submitter. Criteria: ACMG Guidelines, 2015. Collection method: clinical testing. Allele origin: germline.

PreventionGenetics, part of Exact Sciences
Classification: Benign for ZFHX3-related condition. Last evaluated: 2019-07-01. Review status: no assertion criteria provided. Collection method: clinical testing. Allele origin: germline. Not counted in ClinVar's aggregate classification.
Comment: This variant is classified as benign based on ACMG/AMP sequence variant interpretation guidelines (Richards et al. 2015 PMID: 25741868, with internal and published modifications).

NM_006885.4(ZFHX3):c.807C>T (p.Phe269=)

Gene: ZFHX3 (zinc finger homeobox 3; minus strand). Cytogenetic location: 16q22.3.
Variant type: single nucleotide variant.
Coding change: c.807C>T on transcript NM_006885.4 (MANE Select); coding-DNA position 807, C replaced by T.
Protein change: p.Phe269=; no amino-acid change (phenylalanine 269 retained).
Molecular consequence: synonymous variant. On other transcripts: intron variant (1).
Genome position (GRCh38, 1-based): chr16:72,959,339, G>A on the plus strand (C>T on the coding strand, the complement: ZFHX3 is on the minus strand). VCF-style: chr16-72959339-G-A. GRCh37 (hg19) VCF-style: chr16-72993238-G-A.
Other names: c.807C>T, p.Phe269= (NM_001386735.1); c.-23-8374C>T (NM_001164766.2).
Identifiers: ClinVar variation 3042413 (VCV003042413.3), dbSNP rs150043800, ClinGen allele CA8164896.
Genomic context (GRCh38, chr16:72,959,339, plus strand): 5'-GAGTTTGCACAAGAAACACATCAGGATGGGCTTCCTCTTGCCATAGAGCACAAAGCCATC[G>A]AATTTGGACAGGTCCACATTGTTGGGAACATCTTTGGATACGCAGGAGCTTTTGGCAGAA-3'
Protein context (NP_008816.3, residues 259-279): DVPNNVDLSK[Phe269=]DGFVLYGKRK